The following is an entry in ClinVar:

NM_001354604.2(MITF):c.1318G>A (p.Ala440Thr)

Gene: MITF (melanocyte inducing transcription factor; plus strand). Cytogenetic location: 3p13.
Variant type: single nucleotide variant.
Coding change: c.1318G>A on transcript NM_001354604.2 (MANE Select); coding-DNA position 1318, G replaced by A.
Protein change: p.Ala440Thr; replaces alanine 440 with threonine.
Molecular consequence: missense variant.
Genome position (GRCh38, 1-based): chr3:69,964,985, G>A. VCF-style: chr3-69964985-G-A. GRCh37 (hg19) VCF-style: chr3-70014136-G-A.
Other names: c.997G>A, p.Ala333Thr (NM_000248.4); c.1144G>A, p.Ala382Thr (NM_001184967.2, NM_001354608.2); c.1315G>A, p.Ala439Thr (NM_001354605.2); c.1297G>A, p.Ala433Thr (NM_001354606.2, NM_006722.3); c.1249G>A, p.Ala417Thr (NM_001354607.2); c.979G>A, p.Ala327Thr (NM_198158.3); c.1300G>A, p.Ala434Thr (NM_198159.3); c.1252G>A, p.Ala418Thr (NM_198177.3); and 1 more; short protein forms A271T, A327T, A333T, A382T, A417T, A418T, A433T, A434T.
Identifiers: ClinVar variation 3758375 (VCV003758375.2).
Genomic context (GRCh38, chr3:69,964,985, plus strand): 5'-CGGATCATCAAGCAAGAACCCGTTCTTGAGAACTGCAGCCAAGACCTCCTTCAGCATCAT[G>A]CAGACCTAACCTGTACAACAACTCTCGATCTCACGGATGGCACCATCACCTTCAACAACA-3'
Protein context (NP_001341533.1, residues 430-450): NCSQDLLQHH[Ala440Thr]DLTCTTTLDL

ClinVar aggregate classification (germline): Uncertain significance (1 of 4 stars; one submission).

Conditions:
Melanoma, cutaneous malignant, susceptibility to, 8. Also called: MELANOMA AND RENAL CELL CARCINOMA, SUSCEPTIBILITY TO; Cutaneous malignant melanoma 8. Identifiers: Orphanet 293822, MedGen C3152204, MONDO:0013759, OMIM 614456.
Tietz syndrome (TADS). Also called: ALBINISM-DEAFNESS OF TIETZ; HYPOPIGMENTATION/DEAFNESS OF TIETZ; TIETZ ALBINISM-DEAFNESS SYNDROME. Identifiers: Orphanet 42665, MedGen C0391816, MONDO:0007077, OMIM 103500.
Waardenburg syndrome type 2A (WS2A). Also called: WAARDENBURG SYNDROME WITHOUT DYSTOPIA CANTHORUM. Identifiers: Orphanet 3440, MedGen C1860339, MONDO:0008671, OMIM 193510.

Submission:

Labcorp Genetics (formerly Invitae), Labcorp
Classification: Uncertain significance for Melanoma, cutaneous malignant, susceptibility to, 8; Waardenburg syndrome type 2A; Tietz syndrome. Last evaluated: 2024-10-15. Review status: criteria provided, single submitter. Criteria: Invitae Variant Classification Sherloc (09022015). Collection method: clinical testing. Allele origin: germline.
Comment: This sequence change replaces alanine, which is neutral and non-polar, with threonine, which is neutral and polar, at codon 333 of the MITF protein (p.Ala333Thr). This variant is not present in population databases (gnomAD no frequency). This variant has not been reported in the literature in individuals affected with MITF-related conditions. Invitae Evidence Modeling of protein sequence and biophysical properties (such as structural, functional, and spatial information, amino acid conservation, physicochemical variation, residue mobility, and thermodynamic stability) indicates that this missense variant is not expected to disrupt MITF protein function with a negative predictive value of 80%. In summary, the available evidence is currently insufficient to determine the role of this variant in disease. Therefore, it has been classified as a Variant of Uncertain Significance.